The following is an entry in ClinVar:

NM_032043.3(BRIP1):c.1239T>C (p.Val413=)

Gene: BRIP1 (BRCA1 interacting DNA helicase 1; minus strand). Cytogenetic location: 17q23.2.
Variant type: single nucleotide variant.
Coding change: c.1239T>C on transcript NM_032043.3 (MANE Select); coding-DNA position 1239, T replaced by C.
Protein change: p.Val413=; no amino-acid change (valine 413 retained).
Molecular consequence: synonymous variant.
Genome position (GRCh38, 1-based): chr17:61,799,201, A>G on the plus strand (T>C on the coding strand, the complement: BRIP1 is on the minus strand). VCF-style: chr17-61799201-A-G. GRCh37 (hg19) VCF-style: chr17-59876562-A-G.
Identifiers: ClinVar variation 2944448 (VCV002944448.5), dbSNP rs2077950022, ClinGen allele CA501151542.

ClinVar aggregate classification (germline): Benign/Likely benign. Review status: criteria provided, multiple submitters, no conflicts (2 of 4 stars). 3 submissions from 3 submitters: Benign (1); Likely benign (2). Last evaluated 2026-08-03.

Conditions:
Familial cancer of breast. Also called: Hereditary breast cancer; hereditary breast carcinoma; BREAST CANCER, FAMILIAL. Identifiers: Orphanet 227535, MedGen C0346153, MONDO:0016419, OMIM 114480. Disease mechanism: loss of function.
Fanconi anemia complementation group J. Also called: BRIP1-Related Fanconi Anemia. Identifiers: Orphanet 84, MedGen C1836860, MONDO:0012187, OMIM 609054.
Hereditary cancer-predisposing syndrome. Also called: Hereditary Cancer Syndrome; Hereditary neoplastic syndrome; Neoplastic Syndromes, Hereditary; Tumor predisposition. Identifiers: Orphanet 140162, MedGen C0027672, MeSH D009386, MONDO:0015356.

Allele frequency attached by ClinVar (database versions not stated): TOPMed below 0.00001.

Submissions (3):

Ambry Genetics
Classification: Likely benign for Hereditary cancer-predisposing syndrome. Last evaluated: 2026-08-03. Review status: criteria provided, single submitter. Criteria: Ambry Variant Classification Scheme 2023. Collection method: clinical testing. Allele origin: germline.

Labcorp Genetics (formerly Invitae), Labcorp
Classification: Likely benign for Familial cancer of breast; Fanconi anemia complementation group J. Last evaluated: 2026-01-20. Review status: criteria provided, single submitter. Criteria: Invitae Variant Classification Sherloc (09022015). Collection method: clinical testing. Allele origin: germline.

Myriad Genetics, Inc.
Classification: Benign for Familial cancer of breast. Last evaluated: 2024-08-26. Review status: criteria provided, single submitter. Criteria: Myriad Autosomal Dominant, Autosomal Recessive and X-Linked Classification Criteria (2023). Collection method: clinical testing. Allele origin: unknown.
Comment: This variant is considered benign. This variant is a silent/synonymous amino acid change and it is not expected to impact splicing.